The following is an entry in ClinVar:

ClinVar aggregate classification (germline): Uncertain significance (1 of 4 stars; one submission).

Allele frequency attached by ClinVar (database versions not stated): gnomAD 0.00001; TOPMed 0.00001.
gnomAD v4.1: 1 of 1,611,340 alleles (0.000062%); highest among the groups gnomAD compares: Admixed American, 0.0017%; no homozygotes.

Submission:

GeneDx
Classification: Uncertain significance. Last evaluated: 2019-04-01. Review status: criteria provided, single submitter. Criteria: GeneDx Variant Classification Process June 2021. Collection method: clinical testing. Allele origin: germline. Affected: yes.
Comment: Not observed in large population cohorts (Lek et al., 2016); In silico analysis, which includes protein predictors and evolutionary conservation, supports a deleterious effect; Has not been previously published as pathogenic or benign to our knowledge

NM_006267.5(RANBP2):c.309G>T (p.Leu103Phe)

Gene: RANBP2 (RAN binding protein 2; plus strand). Cytogenetic location: 2q13.
Variant type: single nucleotide variant.
Coding change: c.309G>T on transcript NM_006267.5 (MANE Select); coding-DNA position 309, G replaced by T.
Protein change: p.Leu103Phe; replaces leucine 103 with phenylalanine.
Molecular consequence: missense variant.
Genome position (GRCh38, 1-based): chr2:108,731,378, G>T. VCF-style: chr2-108731378-G-T. GRCh37 (hg19) VCF-style: chr2-109347834-G-T.
Other names: short protein forms L103F.
Identifiers: ClinVar variation 1308208 (VCV001308208.2), dbSNP rs1695156914, ClinGen allele CA348038011.